The following is an entry in ClinVar:

NM_017414.4(USP18):c.524C>T (p.Ser175Phe)

Gene: USP18 (ubiquitin specific peptidase 18; plus strand). Cytogenetic location: 22q11.21.
Variant type: single nucleotide variant.
Coding change: c.524C>T on transcript NM_017414.4 (MANE Select); coding-DNA position 524, C replaced by T.
Protein change: p.Ser175Phe; replaces serine 175 with phenylalanine.
Molecular consequence: missense variant.
Genome position (GRCh38, 1-based): chr22:18,167,933, C>T. VCF-style: chr22-18167933-C-T. GRCh37 (hg19) VCF-style: chr22-18650700-C-T.
Other names: short protein forms S175F.
Identifiers: ClinVar variation 4689423 (VCV004689423.1).

ClinVar aggregate classification (germline): Uncertain significance (1 of 4 stars; one submission).

gnomAD v4.1: 3 of 1,613,954 alleles (0.00019%); highest among the groups gnomAD compares: Middle Eastern, 0.016%; no homozygotes.

Submission:

Women's Health and Genetics/Laboratory Corporation of America, LabCorp
Classification: Uncertain significance. Last evaluated: 2026-01-13. Review status: criteria provided, single submitter. Criteria: LabCorp Variant Classification Summary - May 2015. Collection method: clinical testing. Allele origin: germline.
Comment: Variant summary: USP18 c.524C>T (p.Ser175Phe) results in a non-conservative amino acid change in the encoded protein sequence. Algorithms developed to predict the effect of missense changes on protein structure and function are either unavailable or do not agree on the potential impact of this missense change. The variant was absent in 251494 control chromosomes. The available data on variant occurrences in the general population are insufficient to allow any conclusion about variant significance. To our knowledge, no occurrence of c.524C>T in individuals affected with USP18-related conditions and no experimental evidence demonstrating its impact on protein function have been reported. No submitters have cited clinical-significance assessments for this variant to ClinVar. Based on the evidence outlined above, the variant was classified as uncertain significance.